The following is an entry in ClinVar:

NM_001379500.1(COL18A1):c.2785G>A (p.Gly929Ser)

Genes: COL18A1 (collagen type XVIII alpha 1 chain; plus strand), SLC19A1 (solute carrier family 19 member 1; minus strand). Cytogenetic location: 21q22.3.
Variant type: single nucleotide variant.
Coding change: c.2785G>A on transcript NM_001379500.1 (MANE Select); coding-DNA position 2785, G replaced by A.
Protein change: p.Gly929Ser; replaces glycine 929 with serine.
Molecular consequence: missense variant.
Genome position (GRCh38, 1-based): chr21:45,504,473, G>A. VCF-style: chr21-45504473-G-A. GRCh37 (hg19) VCF-style: chr21-46924387-G-A.
Other names: c.3325G>A, p.Gly1109Ser (NM_030582.4); c.4030G>A, p.Gly1344Ser (NM_130444.3); c.3325G>A (NM_030582.3); short protein forms G929S, G1344S, G1109S.
Identifiers: ClinVar variation 1489459 (VCV001489459.6), dbSNP rs758663679, ClinGen allele CA10067467.
Genomic context (GRCh38, chr21:45,504,473, plus strand): 5'-CAGGGGGAGAAGGGAGACCGAGGTGATGCAGGACAGAAAGGCGAAAGGGGGGAGCCCGGG[G>A]GCGGCGGTTTCTTCGGCTCCAGCCTGCCCGGCCCCCCCGGCCCCCCAGGCCCCCCAGGCC-3'
Protein context (NP_001366429.1, residues 919-939): GQKGERGEPG[Gly929Ser]GGFFGSSLPG

ClinVar aggregate classification (germline): Uncertain significance. Review status: criteria provided, single submitter (1 of 4 stars). 2 submissions from 2 submitters: Uncertain significance (1). 1 of the submissions does not count toward it. Last evaluated 2022-08-15.

Conditions:
COL18A1-related disorder. Also called: COL18A1-related condition; COL18A1-related disorders.

Allele frequency attached by ClinVar (database versions not stated): gnomAD 0.00001; TOPMed 0.00002; gnomAD exomes 0.00003; ExAC 0.00005.
gnomAD v4.1: 21 of 1,608,346 alleles (0.0013%); highest among the groups gnomAD compares: South Asian, 0.0077%; no homozygotes.

Submissions (2):

Labcorp Genetics (formerly Invitae), Labcorp
Classification: Uncertain significance. Last evaluated: 2022-08-15. Review status: criteria provided, single submitter. Criteria: Invitae Variant Classification Sherloc (09022015). Collection method: clinical testing. Allele origin: germline.
Comment: In summary, the available evidence is currently insufficient to determine the role of this variant in disease. Therefore, it has been classified as a Variant of Uncertain Significance. Experimental studies and prediction algorithms are not available or were not evaluated, and the functional significance of this variant is currently unknown. ClinVar contains an entry for this variant (Variation ID: 1489459). This variant has not been reported in the literature in individuals affected with COL18A1-related conditions. This variant is present in population databases (rs758663679, gnomAD 0.01%). This sequence change replaces glycine with serine at codon 929 of the COL18A1 protein (p.Gly929Ser).

PreventionGenetics, part of Exact Sciences
Classification: Uncertain significance for COL18A1-related condition. Last evaluated: 2024-01-23. Review status: no assertion criteria provided. Collection method: clinical testing. Allele origin: germline. Not counted in ClinVar's aggregate classification.
Comment: The COL18A1 c.3325G>A variant is predicted to result in the amino acid substitution p.Gly1109Ser. To our knowledge, this variant has not been reported in the literature. This variant is reported in 0.0099% of alleles in individuals of South Asian descent in gnomAD. At this time, the clinical significance of this variant is uncertain due to the absence of conclusive functional and genetic evidence.